The following is an entry in ClinVar:

ClinVar aggregate classification (germline): Uncertain significance (1 of 4 stars; one submission).

Conditions:
Mucopolysaccharidosis, MPS-III-A (MPS3A). Also called: HEPARAN SULFATE SULFATASE DEFICIENCY; SANFILIPPO SYNDROME A; SULFAMIDASE DEFICIENCY; MPS III A; Mucopolysaccharidosis type IIIA (Sanfilippo A); Mucopolysaccharidosis, type IIIA. Identifiers: Orphanet 581, Orphanet 79269, MedGen C0086647, MONDO:0009655, OMIM 252900.

Submission:

Labcorp Genetics (formerly Invitae), Labcorp
Classification: Uncertain significance for Mucopolysaccharidosis, MPS-III-A. Last evaluated: 2022-08-02. Review status: criteria provided, single submitter. Criteria: Invitae Variant Classification Sherloc (09022015). Collection method: clinical testing. Allele origin: germline.
Comment: This sequence change replaces histidine, which is basic and polar, with leucine, which is neutral and non-polar, at codon 429 of the SGSH protein (p.His429Leu). This variant is not present in population databases (gnomAD no frequency). This variant has not been reported in the literature in individuals affected with SGSH-related conditions. Algorithms developed to predict the effect of missense changes on protein structure and function (SIFT, PolyPhen-2, Align-GVGD) all suggest that this variant is likely to be tolerated. In summary, the available evidence is currently insufficient to determine the role of this variant in disease. Therefore, it has been classified as a Variant of Uncertain Significance.

NM_000199.5(SGSH):c.1286A>T (p.His429Leu)

Gene: SGSH (N-sulfoglucosamine sulfohydrolase; minus strand). Cytogenetic location: 17q25.3.
Variant type: single nucleotide variant.
Coding change: c.1286A>T on transcript NM_000199.5 (MANE Select); coding-DNA position 1286, A replaced by T.
Protein change: p.His429Leu; replaces histidine 429 with leucine.
Molecular consequence: missense variant. On other transcripts: 3 prime UTR variant (2), non-coding transcript variant (1).
Genome position (GRCh38, 1-based): chr17:80,210,675, T>A on the plus strand (A>T on the coding strand, the complement: SGSH is on the minus strand). VCF-style: chr17-80210675-T-A. GRCh37 (hg19) VCF-style: chr17-78184474-T-A.
Other names: c.*373A>T (NM_001352921.3); c.*336A>T (NM_001352922.2); short protein forms H429L.
Identifiers: ClinVar variation 2009402 (VCV002009402.4), dbSNP rs770220285, ClinGen allele CA401358751.
Genomic context (GRCh38, chr17:80,210,675, plus strand): 5'-TGGGTCTCGTGGGGGTCCCGGCTCCGGTCGTAGAGCTCCCAGCGCGCCCGGTAGTAGTAA[T>A]GACGGAGGTCCTTGTACCAGCCCGTGGGCTGACCAGCTGTGGTGCGGTTCAGGAGGTCCT-3'
Protein context (NP_000190.1, residues 419-439): QPTGWYKDLR[His429Leu]YYYRARWELY